The following is an entry in ClinVar:

NM_001852.4(COL9A2):c.1054-3C>T

Gene: COL9A2 (collagen type IX alpha 2 chain; minus strand). Cytogenetic location: 1p34.2.
Variant type: single nucleotide variant.
Coding change: c.1054-3C>T on transcript NM_001852.4 (MANE Select); 3 bases into the intron before coding-DNA position 1054, C replaced by T.
Molecular consequence: intron variant.
Genome position (GRCh38, 1-based): chr1:40,305,771, G>A on the plus strand (C>T on the coding strand, the complement: COL9A2 is on the minus strand). VCF-style: chr1-40305771-G-A. GRCh37 (hg19) VCF-style: chr1-40771443-G-A.
Identifiers: ClinVar variation 2787655 (VCV002787655.3), dbSNP rs545345308, ClinGen allele CA21041496.

ClinVar aggregate classification (germline): Uncertain significance (1 of 4 stars; one submission).

Allele frequency attached by ClinVar (database versions not stated): gnomAD 0.00001; 1000 Genomes Project 0.00020; 1000 Genomes Project 30x 0.00031.
gnomAD v4.1: 3 of 1,614,074 alleles (0.00019%); highest among the groups gnomAD compares: East Asian, 0.0022%; no homozygotes.

Submission:

Labcorp Genetics (formerly Invitae), Labcorp
Classification: Uncertain significance. Last evaluated: 2023-09-22. Review status: criteria provided, single submitter. Criteria: Invitae Variant Classification Sherloc (09022015). Collection method: clinical testing. Allele origin: germline.
Comment: This sequence change falls in intron 20 of the COL9A2 gene. It does not directly change the encoded amino acid sequence of the COL9A2 protein. It affects a nucleotide within the consensus splice site. This variant is not present in population databases (gnomAD no frequency). This variant has not been reported in the literature in individuals affected with COL9A2-related conditions. Variants that disrupt the consensus splice site are a relatively common cause of aberrant splicing (PMID: 17576681, 9536098). Algorithms developed to predict the effect of sequence changes on RNA splicing suggest that this variant is not likely to affect RNA splicing. In summary, the available evidence is currently insufficient to determine the role of this variant in disease. Therefore, it has been classified as a Variant of Uncertain Significance.

Literature cited by the submitters: PubMed 17576681; PubMed 9536098.